The following is an entry in ClinVar:

NC_000023.10:g.(?_18671532)_(18671664_?)del

Genes: CDKL5 (cyclin dependent kinase like 5; plus strand), RS1 (retinoschisin 1; minus strand). Cytogenetic location: Xp22.13.
Variant type: Deletion.
Identifiers: ClinVar variation 2424638 (VCV002424638.5).

ClinVar aggregate classification (germline): Uncertain significance (1 of 4 stars; one submission).

Conditions:
Developmental and epileptic encephalopathy, 2 (DEE2). Also called: INFANTILE SPASM SYNDROME, X-LINKED 2; CDKL5 deficiency disorder. Identifiers: Orphanet 1934, Orphanet 3451, Orphanet 505652, MedGen C4750718, MONDO:0010396, OMIM 300672.
Angelman syndrome-like. Identifiers: MedGen CN128785.

Submission:

Labcorp Genetics (formerly Invitae), Labcorp
Classification: Uncertain significance for Developmental and epileptic encephalopathy, 2; Angelman syndrome-like. Last evaluated: 2022-07-11. Review status: criteria provided, single submitter. Criteria: Invitae Variant Classification Sherloc (09022015). Collection method: clinical testing. Allele origin: germline.
Comment: This variant is a gross deletion of the genomic region encompassing exon(s) 21 of the CDKL5 gene, which includes the termination codon. This deletion extends beyond the assayed region for this gene and therefore may encompass additional genes. While this deletion is not anticipated to lead to nonsense mediated decay, it is expected to alter mRNA translation or result in a truncated protein product. A similar copy number variant has been observed in individual(s) with epilepsy and/or neurodevelopmental delay (PMID: 29655203). Experimental studies and prediction algorithms are not available or were not evaluated, and the functional significance of this variant is currently unknown. In summary, the available evidence is currently insufficient to determine the role of this variant in disease. Therefore, it has been classified as a Variant of Uncertain Significance.

Literature cited by the submitters: PubMed 29655203.